The following is an entry in ClinVar:

ClinVar aggregate classification (germline): Pathogenic (1 of 4 stars; one submission).

Submission:

GeneDx
Classification: Pathogenic. Last evaluated: 2016-06-20. Review status: criteria provided, single submitter. Criteria: GeneDx Variant Classification (06012015). Collection method: clinical testing. Allele origin: germline. Affected: yes.
Comment: The E455X nonsense variant in the PHEX gene has been reported previously in association with X-linked hypophosphatemic rickets (Filisetti et al., 1999; Song et al., 2007; Lee et al., 2012). This pathogenic variant is predicted to cause loss of normal protein function either through protein truncation or nonsense-mediated mRNA decay. The variant was not observed in approximately 6,500 individuals of European and African American ancestry in the NHLBI Exome Sequencing Project, indicating it is not a common benign variant in these populations. Therefore, we consider this variant to be pathogenic.

NM_000444.6(PHEX):c.1363G>T (p.Glu455Ter)

Gene: PHEX (phosphate regulating endopeptidase homolog X-linked; plus strand). Cytogenetic location: Xp22.11.
Variant type: single nucleotide variant.
Coding change: c.1363G>T on transcript NM_000444.6 (MANE Select); coding-DNA position 1363, G replaced by T.
Protein change: p.Glu455Ter; replaces glutamic acid 455 with a stop codon.
Molecular consequence: nonsense.
Genome position (GRCh38, 1-based): chrX:22,133,583, G>T. VCF-style: chrX-22133583-G-T. GRCh37 (hg19) VCF-style: chrX-22151700-G-T.
Other names: c.1363G>T, p.Glu455Ter (NM_001282754.2); short protein forms E455*.
Identifiers: ClinVar variation 265504 (VCV000265504.2), dbSNP rs886039585, ClinGen allele CA10588762.